The following is an entry in ClinVar:

NM_000392.5(ABCC2):c.3107T>C (p.Ile1036Thr)

Gene: ABCC2 (ATP binding cassette subfamily C member 2; plus strand). Cytogenetic location: 10q24.2.
Variant type: single nucleotide variant.
Coding change: c.3107T>C on transcript NM_000392.5 (MANE Select); coding-DNA position 3107, T replaced by C.
Protein change: p.Ile1036Thr; replaces isoleucine 1036 with threonine.
Molecular consequence: missense variant.
Genome position (GRCh38, 1-based): chr10:99,831,980, T>C. VCF-style: chr10-99831980-T-C. GRCh37 (hg19) VCF-style: chr10-101591737-T-C.
Other names: c.3107T>C, p.Ile1036Thr (LRG_1208t1); short protein forms I1036T.
Identifiers: ClinVar variation 195729 (VCV000195729.44), dbSNP rs45441199, ClinGen allele CA201917.

ClinVar aggregate classification (germline): Benign/Likely benign. Review status: criteria provided, multiple submitters, no conflicts (2 of 4 stars). 6 submissions from 6 submitters: Benign (1); Likely benign (5). Last evaluated 2026-08-01.

Conditions:
Dubin-Johnson syndrome (DJS). Also called: Hyperbilirubinemia type 2; HYPERBILIRUBINEMIA, DUBIN-JOHNSON TYPE; Jaundice, Chronic Idiopathic. Identifiers: Orphanet 234, MedGen C0022350, MONDO:0009380, OMIM 237500.

Allele frequency attached by ClinVar (database versions not stated): 1000 Genomes Project 0.00220; 1000 Genomes Project 30x 0.00281; TOPMed 0.00465; gnomAD 0.00480 and 0.00494; gnomAD exomes 0.00499 and 0.00628; ESP Exome Variant Server 0.00623.
gnomAD v4.1: 9,876 of 1,614,250 alleles (0.61%); highest among the groups gnomAD compares: Middle Eastern, 1.4%; 42 homozygotes.

Submissions (6):

CeGaT Center for Human Genetics Tuebingen
Classification: Likely benign. Last evaluated: 2026-08-01. Review status: criteria provided, single submitter. Criteria: CeGaT Center For Human Genetics Tuebingen Variant Classification Criteria Version 2. Collection method: clinical testing. Allele origin: germline. Affected: yes. Observed: 5 variant alleles.
Comment: ABCC2: BS2

Labcorp Genetics (formerly Invitae), Labcorp
Classification: Likely benign. Last evaluated: 2026-01-25. Review status: criteria provided, single submitter. Criteria: Invitae Variant Classification Sherloc (09022015). Collection method: clinical testing. Allele origin: germline.

Mayo Clinic Laboratories, Mayo Clinic
Classification: Likely benign. Last evaluated: 2025-10-07. Review status: criteria provided, single submitter. Criteria: ACMG Guidelines, 2015. Collection method: clinical testing. Allele origin: germline. Observed: 7 variant alleles.
Comment: BS1, BS2, BS3, BP4

Illumina Laboratory Services, Illumina
Classification: Likely benign for Dubin-Johnson syndrome. Last evaluated: 2018-01-13. Review status: criteria provided, single submitter. Criteria: ICSL Variant Classification Criteria 13 December 2019. Collection method: clinical testing. Allele origin: germline.
Comment: This variant was observed in the ICSL laboratory as part of a predisposition screen in an ostensibly healthy population. It had not been previously curated by ICSL or reported in the Human Gene Mutation Database (HGMD: prior to June 1st, 2018), and was therefore a candidate for classification through an automated scoring system. Utilizing variant allele frequency, disease prevalence and penetrance estimates, and inheritance mode, an automated score was calculated to assess if this variant is too frequent to cause the disease. Based on the score and internal cut-off values, a variant classified as likely benign is not then subjected to further curation. The score for this variant resulted in a classification of likely benign for this disease.

Eurofins Ntd Llc (ga)
Classification: Benign. Last evaluated: 2015-05-14. Review status: criteria provided, single submitter. Criteria: EGL Classification Definitions 2015. Collection method: clinical testing. Allele origin: germline. Observed: 1 variant allele, 1 heterozygote.

Breakthrough Genomics
Classification: Likely benign. Review status: criteria provided, single submitter. Criteria: ACMG Guidelines, 2015. Collection method: not provided. Allele origin: germline. Inheritance: Autosomal recessive inheritance. Affected: yes.